The following is an entry in ClinVar:

ClinVar aggregate classification (germline): Uncertain significance. Review status: criteria provided, multiple submitters, no conflicts (2 of 4 stars). 2 submissions from 2 submitters: Uncertain significance (2). Last evaluated 2024-04-22.

Conditions:
Hereditary cancer-predisposing syndrome. Also called: Hereditary neoplastic syndrome; Tumor predisposition; Neoplastic Syndromes, Hereditary; Hereditary Cancer Syndrome. Identifiers: Orphanet 140162, MedGen C0027672, MeSH D009386, MONDO:0015356.
DICER1-related tumor predisposition. Also called: DICER1-related pleuropulmonary blastoma cancer predisposition syndrome; DICER1 syndrome. Identifiers: Orphanet 284343, MedGen C3839822, MONDO:0100216.

Submissions (2):

Labcorp Genetics (formerly Invitae), Labcorp
Classification: Uncertain significance for DICER1-related tumor predisposition. Last evaluated: 2024-04-22. Review status: criteria provided, single submitter. Criteria: Invitae Variant Classification Sherloc (09022015). Collection method: clinical testing. Allele origin: germline.
Comment: This sequence change replaces leucine, which is neutral and non-polar, with phenylalanine, which is neutral and non-polar, at codon 179 of the DICER1 protein (p.Leu179Phe). This variant is not present in population databases (gnomAD no frequency). This variant has not been reported in the literature in individuals affected with DICER1-related conditions. ClinVar contains an entry for this variant (Variation ID: 1477992). Advanced modeling of protein sequence and biophysical properties (such as structural, functional, and spatial information, amino acid conservation, physicochemical variation, residue mobility, and thermodynamic stability) performed at Invitae indicates that this missense variant is not expected to disrupt DICER1 protein function with a negative predictive value of 80%. In summary, the available evidence is currently insufficient to determine the role of this variant in disease. Therefore, it has been classified as a Variant of Uncertain Significance.

Ambry Genetics
Classification: Uncertain significance for Hereditary cancer-predisposing syndrome. Last evaluated: 2022-09-04. Review status: criteria provided, single submitter. Criteria: Ambry Variant Classification Scheme 2023. Collection method: clinical testing. Allele origin: germline.
Comment: The p.L179F variant (also known as c.535C>T), located in coding exon 4 of the DICER1 gene, results from a C to T substitution at nucleotide position 535. The leucine at codon 179 is replaced by phenylalanine, an amino acid with highly similar properties. This amino acid position is conserved. In addition, the in silico prediction for this alteration is inconclusive. Since supporting evidence is limited at this time, the clinical significance of this alteration remains unclear.

NM_177438.3(DICER1):c.535C>T (p.Leu179Phe)

Gene: DICER1 (dicer 1, ribonuclease III; minus strand). Cytogenetic location: 14q32.13.
Variant type: single nucleotide variant.
Coding change: c.535C>T on transcript NM_177438.3 (MANE Select); coding-DNA position 535, C replaced by T.
Protein change: p.Leu179Phe; replaces leucine 179 with phenylalanine.
Molecular consequence: missense variant.
Genome position (GRCh38, 1-based): chr14:95,130,096, G>A on the plus strand (C>T on the coding strand, the complement: DICER1 is on the minus strand). VCF-style: chr14-95130096-G-A. GRCh37 (hg19) VCF-style: chr14-95596433-G-A.
Other names: c.535C>T, p.Leu179Phe (NM_001195573.1, NM_001271282.3, NM_001291628.2 and 1 more transcripts); short protein forms L179F.
Identifiers: ClinVar variation 1477992 (VCV001477992.11), dbSNP rs2140266543, ClinGen allele CA390888404.